The following is an entry in ClinVar:

ClinVar aggregate classification (germline): Uncertain significance (1 of 4 stars; one submission).

Conditions:
Hypertrophic cardiomyopathy 26. Also called: Cardiomyopathy, familial hypertrophic, 26. Identifiers: Orphanet 75249, MedGen C4310749, MONDO:0014883, OMIM 617047.
Myofibrillar myopathy 5. Also called: Filaminopathy (type); FILAMINOPATHY, AUTOSOMAL DOMINANT. Identifiers: Orphanet 171445, MedGen C1836050, MONDO:0012289, OMIM 609524.
Distal myopathy with posterior leg and anterior hand involvement. Also called: WILLIAMS DISTAL MYOPATHY. Identifiers: Orphanet 63273, MedGen C3279722, MONDO:0013550, OMIM 614065.

Submission:

Labcorp Genetics (formerly Invitae), Labcorp
Classification: Uncertain significance for Distal myopathy with posterior leg and anterior hand involvement; Myofibrillar myopathy 5; Hypertrophic cardiomyopathy 26. Last evaluated: 2025-09-09. Review status: criteria provided, single submitter. Criteria: Invitae Variant Classification Sherloc (09022015). Collection method: clinical testing. Allele origin: germline.
Comment: This sequence change replaces glycine, which is neutral and non-polar, with valine, which is neutral and non-polar, at codon 1382 of the FLNC protein (p.Gly1382Val). This variant is not present in population databases (gnomAD no frequency). This variant has not been reported in the literature in individuals affected with FLNC-related conditions. Invitae Evidence Modeling of protein sequence and biophysical properties (such as structural, functional, and spatial information, amino acid conservation, physicochemical variation, residue mobility, and thermodynamic stability) has been performed for this missense variant. However, the output from this modeling did not meet the statistical confidence thresholds required to predict the impact of this variant on FLNC protein function. In summary, the available evidence is currently insufficient to determine the role of this variant in disease. Therefore, it has been classified as a Variant of Uncertain Significance.

NM_001458.5(FLNC):c.4145G>T (p.Gly1382Val)

Gene: FLNC (filamin C; plus strand). Cytogenetic location: 7q32.1.
Variant type: single nucleotide variant.
Coding change: c.4145G>T on transcript NM_001458.5 (MANE Select); coding-DNA position 4145, G replaced by T.
Protein change: p.Gly1382Val; replaces glycine 1382 with valine.
Molecular consequence: missense variant.
Genome position (GRCh38, 1-based): chr7:128,846,762, G>T. VCF-style: chr7-128846762-G-T. GRCh37 (hg19) VCF-style: chr7-128486816-G-T.
Other names: c.4145G>T, p.Gly1382Val (NM_001127487.2); short protein forms G1382V.
Identifiers: ClinVar variation 4812416 (VCV004812416.1).